The following is an entry in ClinVar:

NM_001330078.2(NRXN1):c.324G>A (p.Pro108=)

Gene: NRXN1 (neurexin 1; minus strand). Cytogenetic location: 2p16.3.
Variant type: single nucleotide variant.
Coding change: c.324G>A on transcript NM_001330078.2 (MANE Select); coding-DNA position 324, G replaced by A.
Protein change: p.Pro108=; no amino-acid change (proline 108 retained).
Molecular consequence: synonymous variant.
Genome position (GRCh38, 1-based): chr2:51,027,950, C>T on the plus strand (G>A on the coding strand, the complement: NRXN1 is on the minus strand). VCF-style: chr2-51027950-C-T. GRCh37 (hg19) VCF-style: chr2-51255088-C-T.
Other names: c.324G>A, p.Pro108= (NM_001135659.3, NM_001330077.2, NM_001330079.2 and 15 more transcripts); c.324G>A (NM_001135659.2).
Identifiers: ClinVar variation 378283 (VCV000378283.10), dbSNP rs199595253, ClinGen allele CA1655512.

ClinVar aggregate classification (germline): Benign/Likely benign. Review status: criteria provided, multiple submitters, no conflicts (2 of 4 stars). 3 submissions from 3 submitters: Benign (1); Likely benign (1). 1 of the submissions does not count toward it. Last evaluated 2025-10-23.

Conditions:
Pitt-Hopkins-like syndrome 2 (PTHSL2). Identifiers: Orphanet 221150, Orphanet 600663, MedGen C3280479, MONDO:0013690, OMIM 614325.
NRXN1-related disorder.

Allele frequency attached by ClinVar (database versions not stated): TOPMed 0.00006; gnomAD 0.00011; ESP Exome Variant Server 0.00032.
gnomAD v4.1: 184 of 1,603,084 alleles (0.011%); highest among the groups gnomAD compares: Non-Finnish European, 0.015%; no homozygotes.

Submissions (3):

Labcorp Genetics (formerly Invitae), Labcorp
Classification: Likely benign for Pitt-Hopkins-like syndrome 2. Last evaluated: 2025-10-23. Review status: criteria provided, single submitter. Criteria: Invitae Variant Classification Sherloc (09022015). Collection method: clinical testing. Allele origin: germline.

GeneDx
Classification: Benign. Last evaluated: 2015-09-14. Review status: criteria provided, single submitter. Criteria: GeneDx Variant Classification (06012015). Collection method: clinical testing. Allele origin: germline. Affected: yes.
Comment: This variant is considered likely benign or benign based on one or more of the following criteria: it is a conservative change, it occurs at a poorly conserved position in the protein, it is predicted to be benign by multiple in silico algorithms, and/or has population frequency not consistent with disease.

PreventionGenetics, part of Exact Sciences
Classification: Likely benign for NRXN1-related condition. Last evaluated: 2023-10-19. Review status: no assertion criteria provided. Collection method: clinical testing. Allele origin: germline. Not counted in ClinVar's aggregate classification.
Comment: This variant is classified as likely benign based on ACMG/AMP sequence variant interpretation guidelines (Richards et al. 2015 PMID: 25741868, with internal and published modifications).